The following is an entry in ClinVar:

ClinVar aggregate classification (germline): Benign. Review status: criteria provided, single submitter (1 of 4 stars). 3 submissions from 1 submitter: Benign (3). Last evaluated 2018-01-13.

Conditions:
Polydactyly. Also called: polydactylism. Identifiers: MedGen C0152427, MONDO:0021003, OMIM 603596, HP:0010442.
Pallister-Hall syndrome (PHS). Also called: HYPOTHALAMIC HAMARTOBLASTOMA, HYPOPITUITARISM, IMPERFORATE ANUS, AND POSTAXIAL POLYDACTYLY; GLI3-Related Pallister-Hall Syndrome. Identifiers: Orphanet 672, MedGen C0265220, MONDO:0007804, OMIM 146510.
Greig cephalopolysyndactyly syndrome (GCPS). Also called: Greig syndrome; POLYSYNDACTYLY WITH PECULIAR SKULL SHAPE; GLI3-Related Greig Cephalopolysyndactyly Syndrome. Identifiers: Orphanet 380, MedGen C0265306, MONDO:0008287, OMIM 175700.

Allele frequency attached by ClinVar (database versions not stated): gnomAD 0.00001; ExAC 0.00002; TOPMed 0.00002; gnomAD exomes 0.00004.
gnomAD v4.1: 13 of 1,605,774 alleles (0.00081%); highest among the groups gnomAD compares: Admixed American, 0.018%; 1 homozygote.

Submissions (3):

Illumina Laboratory Services, Illumina
Classification: Benign for Greig cephalopolysyndactyly syndrome. Last evaluated: 2018-01-13. Review status: criteria provided, single submitter. Criteria: ICSL Variant Classification Criteria 13 December 2019. Collection method: clinical testing. Allele origin: germline.
Comment: This variant was observed in the ICSL laboratory as part of a predisposition screen in an ostensibly healthy population. It had not been previously curated by ICSL or reported in the Human Gene Mutation Database (HGMD: prior to June 1st, 2018), and was therefore a candidate for classification through an automated scoring system. Utilizing variant allele frequency, disease prevalence and penetrance estimates, and inheritance mode, an automated score was calculated to assess if this variant is too frequent to cause the disease. Based on the score and internal cut-off values, a variant classified as benign is not then subjected to further curation. The score for this variant resulted in a classification of benign for this disease.

Illumina Laboratory Services, Illumina
Classification: Benign for Polydactyly. Last evaluated: 2018-01-13. Review status: criteria provided, single submitter. Criteria: ICSL Variant Classification Criteria 13 December 2019. Collection method: clinical testing. Allele origin: germline.
Comment: the same text as in the submission from Illumina Laboratory Services, Illumina above.

Illumina Laboratory Services, Illumina
Classification: Benign for Pallister-Hall syndrome. Last evaluated: 2018-01-13. Review status: criteria provided, single submitter. Criteria: ICSL Variant Classification Criteria 13 December 2019. Collection method: clinical testing. Allele origin: germline.
Comment: the same text as in the submission from Illumina Laboratory Services, Illumina above.

NM_000168.6(GLI3):c.*28C>T

Gene: GLI3 (GLI family zinc finger 3; minus strand). Cytogenetic location: 7p14.1.
Variant type: single nucleotide variant.
Coding change: c.*28C>T on transcript NM_000168.6 (MANE Select); 28 bases downstream of the stop codon, C replaced by T.
Molecular consequence: 3 prime UTR variant.
Genome position (GRCh38, 1-based): chr7:41,964,302, G>A on the plus strand (C>T on the coding strand, the complement: GLI3 is on the minus strand). VCF-style: chr7-41964302-G-A. GRCh37 (hg19) VCF-style: chr7-42003900-G-A.
Identifiers: ClinVar variation 908860 (VCV000908860.4), dbSNP rs761585918, ClinGen allele CA4230053.
Genomic context (GRCh38, chr7:41,964,302, plus strand): 5'-AGAACTAAAAAAACAGCCAAAACAAAGTCAGTTTAATCTCTTCAACTCCTATTGATTTCC[G>A]TTGGTTGCAGTCTTTTTTTCCTAAAGCCTATTGCATAACTGCAAGGAATTTGCTTTCTTC-3'